The following is an entry in ClinVar:

ClinVar aggregate classification (germline): Pathogenic/Likely pathogenic. Review status: criteria provided, multiple submitters, no conflicts (2 of 4 stars). 2 submissions from 2 submitters: Pathogenic (1); Likely pathogenic (1). Last evaluated 2024-07-01.

Submissions (2):

CeGaT Center for Human Genetics Tuebingen
Classification: Likely pathogenic. Last evaluated: 2024-07-01. Review status: criteria provided, single submitter. Criteria: CeGaT Center For Human Genetics Tuebingen Variant Classification Criteria Version 2. Collection method: clinical testing. Allele origin: germline. Affected: yes. Observed: 2 variant alleles.
Comment: WAS: PVS1:Strong, PM2, PS4:Supporting

GeneDx
Classification: Pathogenic. Last evaluated: 2015-05-05. Review status: criteria provided, single submitter. Criteria: GeneDx Variant Classification (06012015). Collection method: clinical testing. Allele origin: germline. Affected: yes.
Comment: The c.360+1 G>T splice site variant in the WAS gene has been previously reported in association withWiskott-Aldrich syndrome (Schindelhauer et al, 1996), under the alternative nomenclauture c394+1 G>T. It isalso listed in The Human Gene Mutation Database (Stenson et al, 2014) as causative for Wiskott-Aldrichsyndrome. This variant destroys the canonical splice donor site in intron 3, and is expected to causeabnormal gene splicing. Therefore, we interpret this variant to be pathogenic.

NM_000377.3(WAS):c.360+1G>T

Gene: WAS (WASP actin nucleation promoting factor; plus strand). Cytogenetic location: Xp11.23.
Variant type: single nucleotide variant.
Coding change: c.360+1G>T on transcript NM_000377.3 (MANE Select); the canonical splice donor site of the intron after coding-DNA position 360, G replaced by T.
Molecular consequence: splice donor variant.
Genome position (GRCh38, 1-based): chrX:48,685,634, G>T. VCF-style: chrX-48685634-G-T. GRCh37 (hg19) VCF-style: chrX-48544023-G-T.
Identifiers: ClinVar variation 379705 (VCV000379705.24), dbSNP rs1057520700, ClinGen allele CA16608484.